The following is an entry in ClinVar:

NM_007294.4(BRCA1):c.2875A>T (p.Arg959Ter)

Gene: BRCA1 (BRCA1 DNA repair associated; minus strand). Cytogenetic location: 17q21.31.
Variant type: single nucleotide variant.
Coding change: c.2875A>T on transcript NM_007294.4 (MANE Select); coding-DNA position 2875, A replaced by T.
Protein change: p.Arg959Ter; replaces arginine 959 with a stop codon.
Molecular consequence: nonsense. On other transcripts: intron variant (137).
Genome position (GRCh38, 1-based): chr17:43,092,656, T>A on the plus strand (A>T on the coding strand, the complement: BRCA1 is on the minus strand). VCF-style: chr17-43092656-T-A. GRCh37 (hg19) VCF-style: chr17-41244673-T-A.
Other names: c.2662A>T, p.Arg888Ter (NM_001407571.1, NM_001407853.1, NM_001407894.1 and 9 more transcripts); c.2875A>T, p.Arg959Ter (NM_001407581.1, NM_001407582.1, NM_001407583.1 and 30 more transcripts); c.2872A>T, p.Arg958Ter (NM_001407587.1, NM_001407590.1, NM_001407591.1 and 22 more transcripts); c.2866A>T, p.Arg956Ter (NM_001407646.1, NM_001407647.1); c.2752A>T, p.Arg918Ter (NM_001407648.1, NM_001407664.1, NM_001407665.1 and 19 more transcripts); c.2749A>T, p.Arg917Ter (NM_001407649.1, NM_001407670.1, NM_001407671.1 and 11 more transcripts); c.2797A>T, p.Arg933Ter (NM_001407653.1, NM_001407654.1, NM_001407655.1 and 4 more transcripts); c.2794A>T, p.Arg932Ter (NM_001407659.1, NM_001407660.1, NM_001407661.1 and 1 more transcripts); and 41 more; short protein forms R959*, R912*, R791*, R831*, R888*, R918*, R933*, R958*.
Identifiers: ClinVar variation 545978 (VCV000545978.3), dbSNP rs1401324575, ClinGen allele CA10596236.

ClinVar aggregate classification (germline): Pathogenic (1 of 4 stars; one submission).

Submission:

GeneDx
Classification: Pathogenic. Last evaluated: 2016-03-15. Review status: criteria provided, single submitter. Criteria: GeneDx Variant Classification (06012015). Collection method: clinical testing. Allele origin: germline. Affected: yes.
Comment: This variant is denoted BRCA1 c.2875A>T at the cDNA level and p.Arg959Ter (R959X) at the protein level. The substitution creates a nonsense variant, which changes an Arginine to a premature stop codon (AGA>TGA), and is predicted to cause loss of normal protein function through either protein truncation or nonsense-mediated mRNA decay. Although this variant has not, to our knowledge, been reported in the literature, it is considered pathogenic.